The following is an entry in ClinVar:

ClinVar aggregate classification (germline): Benign (0 of 4 stars; one submission).

Conditions:
BIRC6-related disorder. Also called: BIRC6-related condition.

Allele frequency attached by ClinVar (database versions not stated): ExAC 0.01892; gnomAD 0.04094; 1000 Genomes Project 0.04373; TOPMed 0.04585; 1000 Genomes Project 30x 0.04685; ESP Exome Variant Server 0.04721.
gnomAD v4.1: 28,220 of 1,613,978 alleles (1.7%); highest among the groups gnomAD compares: African/African-American, 12%; 712 homozygotes.

Submission:

PreventionGenetics, part of Exact Sciences
Classification: Benign for BIRC6-related condition. Last evaluated: 2019-02-19. Review status: no assertion criteria provided. Collection method: clinical testing. Allele origin: germline.
Comment: This variant is classified as benign based on ACMG/AMP sequence variant interpretation guidelines (Richards et al. 2015 PMID: 25741868, with internal and published modifications).

NM_016252.4(BIRC6):c.2037A>G (p.Leu679=)

Gene: BIRC6 (baculoviral IAP repeat containing 6; plus strand). Cytogenetic location: 2p22.3.
Variant type: single nucleotide variant.
Coding change: c.2037A>G on transcript NM_016252.4 (MANE Select); coding-DNA position 2037, A replaced by G.
Protein change: p.Leu679=; no amino-acid change (leucine 679 retained).
Molecular consequence: synonymous variant.
Genome position (GRCh38, 1-based): chr2:32,415,328, A>G. VCF-style: chr2-32415328-A-G. GRCh37 (hg19) VCF-style: chr2-32640396-A-G.
Other names: c.1953A>G, p.Leu651= (NM_001378125.1).
Identifiers: ClinVar variation 3057184 (VCV003057184.2), dbSNP rs34417238, ClinGen allele CA1602862.